The following is an entry in ClinVar:

ClinVar aggregate classification (germline): Uncertain significance (1 of 4 stars; one submission).

Conditions:
FG syndrome (FGS). Identifiers: MedGen C0220769, MONDO:0002010.

Submission:

Labcorp Genetics (formerly Invitae), Labcorp
Classification: Uncertain significance for FG syndrome. Last evaluated: 2024-07-19. Review status: criteria provided, single submitter. Criteria: Invitae Variant Classification Sherloc (09022015). Collection method: clinical testing. Allele origin: germline.
Comment: This sequence change replaces proline, which is neutral and non-polar, with serine, which is neutral and polar, at codon 1987 of the MED12 protein (p.Pro1987Ser). This variant is not present in population databases (gnomAD no frequency). This variant has not been reported in the literature in individuals affected with MED12-related conditions. Advanced modeling of protein sequence and biophysical properties (such as structural, functional, and spatial information, amino acid conservation, physicochemical variation, residue mobility, and thermodynamic stability) performed at Invitae indicates that this missense variant is not expected to disrupt MED12 protein function with a negative predictive value of 95%. In summary, the available evidence is currently insufficient to determine the role of this variant in disease. Therefore, it has been classified as a Variant of Uncertain Significance.

NM_005120.3(MED12):c.5959C>T (p.Pro1987Ser)

Gene: MED12 (mediator complex subunit 12; plus strand). Cytogenetic location: Xq13.1.
Variant type: single nucleotide variant.
Coding change: c.5959C>T on transcript NM_005120.3 (MANE Select); coding-DNA position 5959, C replaced by T.
Protein change: p.Pro1987Ser; replaces proline 1987 with serine.
Molecular consequence: missense variant.
Genome position (GRCh38, 1-based): chrX:71,137,858, C>T. VCF-style: chrX-71137858-C-T. GRCh37 (hg19) VCF-style: chrX-70357708-C-T.
Other names: short protein forms P1987S.
Identifiers: ClinVar variation 3669455 (VCV003669455.2).